The following is an entry in ClinVar:

ClinVar aggregate classification (germline): Likely pathogenic (1 of 4 stars; one submission).

Conditions:
Combined oxidative phosphorylation deficiency 51. Identifiers: MedGen C5436703, MONDO:0033631, OMIM 619057.

Allele frequency attached by ClinVar (database versions not stated): TOPMed below 0.00001; ExAC 0.00001; gnomAD 0.00001.
gnomAD v4.1: 1 of 1,613,956 alleles (0.000062%); highest among the groups gnomAD compares: African/African-American, 0.0013%; no homozygotes.

Submission:

Greenwood Genetic Center Diagnostic Laboratories, Greenwood Genetic Center
Classification: Likely pathogenic for Combined oxidative phosphorylation deficiency 51. Last evaluated: 2024-01-09. Review status: criteria provided, single submitter. Criteria: ACMG Guidelines, 2015. Collection method: clinical testing. Allele origin: germline. Affected: yes.
Comment: PVS1, PM2

NM_017952.6(PTCD3):c.1431G>A (p.Trp477Ter)

Gene: PTCD3 (pentatricopeptide repeat domain 3; plus strand). Cytogenetic location: 2p11.2.
Variant type: single nucleotide variant.
Coding change: c.1431G>A on transcript NM_017952.6 (MANE Select); coding-DNA position 1431, G replaced by A.
Protein change: p.Trp477Ter; replaces tryptophan 477 with a stop codon.
Molecular consequence: nonsense.
Genome position (GRCh38, 1-based): chr2:86,133,235, G>A. VCF-style: chr2-86133235-G-A. GRCh37 (hg19) VCF-style: chr2-86360358-G-A.
Other names: short protein forms W477*.
Identifiers: ClinVar variation 3235825 (VCV003235825.1), dbSNP rs746897836, ClinGen allele CA1747501.
Genomic context (GRCh38, chr2:86,133,235, plus strand): 5'-CAGTTCCAAGTTCTTCGATTTGATTTGTCTAATGGAACAAATTGATGTTACCTTGAAGTG[G>A]TATGAGGACCTGATACCTTCAGTAAGATGGTTCATTACTTGTTATTTATCATTCTAGATG-3'